The following is an entry in ClinVar:

NC_000007.14:g.(?_65967711)_(65970386_?)del

Gene: GUSB (glucuronidase beta; minus strand). Cytogenetic location: 7q11.21.
Variant type: Deletion.
Identifiers: ClinVar variation 832740 (VCV000832740.3).

ClinVar aggregate classification (germline): Pathogenic (1 of 4 stars; one submission).

Conditions:
Mucopolysaccharidosis type 7 (MPS7). Also called: BETA-GLUCURONIDASE DEFICIENCY; MPS VII; GUSB DEFICIENCY; SLY SYNDROME. Identifiers: Orphanet 584, MedGen C0085132, MONDO:0009662, OMIM 253220.

Submission:

Labcorp Genetics (formerly Invitae), Labcorp
Classification: Pathogenic for Mucopolysaccharidosis type 7. Last evaluated: 2020-01-18. Review status: criteria provided, single submitter. Criteria: Invitae Variant Classification Sherloc (09022015). Collection method: clinical testing. Allele origin: germline.
Comment: For these reasons, this variant has been classified as Pathogenic. Loss-of-function variants in GUSB are known to be pathogenic (PMID: 19224584). This variant has not been reported in the literature in individuals with GUSB-related conditions. This variant is an out-of-frame deletion of the genomic region encompassing exon(s) 9-10 of the GUSB gene. This is expected to create a premature translational stop signal and result in an absent or disrupted protein product.

Literature cited by the submitters: PubMed 19224584.